The following is an entry in ClinVar:

ClinVar aggregate classification (germline): Uncertain significance (1 of 4 stars; one submission).

Submission:

Labcorp Genetics (formerly Invitae), Labcorp
Classification: Uncertain significance. Last evaluated: 2022-09-13. Review status: criteria provided, single submitter. Criteria: Invitae Variant Classification Sherloc (09022015). Collection method: clinical testing. Allele origin: germline.
Comment: In summary, the available evidence is currently insufficient to determine the role of this variant in disease. Therefore, it has been classified as a Variant of Uncertain Significance. Algorithms developed to predict the effect of missense changes on protein structure and function (SIFT, PolyPhen-2, Align-GVGD) all suggest that this variant is likely to be tolerated. ClinVar contains an entry for this variant (Variation ID: 841959). This variant has not been reported in the literature in individuals affected with PLK4-related conditions. This variant is not present in population databases (gnomAD no frequency). This sequence change replaces asparagine, which is neutral and polar, with aspartic acid, which is acidic and polar, at codon 431 of the PLK4 protein (p.Asn431Asp).

NM_014264.5(PLK4):c.1291A>G (p.Asn431Asp)

Gene: PLK4 (polo like kinase 4; plus strand). Cytogenetic location: 4q28.1.
Variant type: single nucleotide variant.
Coding change: c.1291A>G on transcript NM_014264.5 (MANE Select); coding-DNA position 1291, A replaced by G.
Protein change: p.Asn431Asp; replaces asparagine 431 with aspartic acid.
Molecular consequence: missense variant.
Genome position (GRCh38, 1-based): chr4:127,886,661, A>G. VCF-style: chr4-127886661-A-G. GRCh37 (hg19) VCF-style: chr4-128807816-A-G.
Other names: c.1195A>G, p.Asn399Asp (NM_001190799.2); c.1168A>G, p.Asn390Asp (NM_001190801.2); short protein forms N399D, N390D, N431D.
Identifiers: ClinVar variation 841959 (VCV000841959.6), dbSNP rs1735146704, ClinGen allele CA358154010.